The following is an entry in ClinVar:

NM_194248.3(OTOF):c.5343C>A (p.His1781Gln)

Gene: OTOF (otoferlin; minus strand). Cytogenetic location: 2p23.3.
Variant type: single nucleotide variant.
Coding change: c.5343C>A on transcript NM_194248.3 (MANE Select); coding-DNA position 5343, C replaced by A.
Protein change: p.His1781Gln; replaces histidine 1781 with glutamine.
Molecular consequence: missense variant.
Genome position (GRCh38, 1-based): chr2:26,461,886, G>T on the plus strand (C>A on the coding strand, the complement: OTOF is on the minus strand). VCF-style: chr2-26461886-G-T. GRCh37 (hg19) VCF-style: chr2-26684754-G-T.
Other names: c.5343C>A, p.His1781Gln (NM_001287489.2); c.3042C>A, p.His1014Gln (NM_004802.4, NM_194323.3); c.3273C>A, p.His1091Gln (NM_194322.3); short protein forms H1781Q, H1091Q, H1014Q.
Identifiers: ClinVar variation 1353371 (VCV001353371.3), dbSNP rs375826721, ClinGen allele CA1562845.

ClinVar aggregate classification (germline): Uncertain significance (1 of 4 stars; one submission).

Allele frequency attached by ClinVar (database versions not stated): TOPMed 0.00002; ESP Exome Variant Server 0.00008.
gnomAD v4.1: 52 of 1,614,052 alleles (0.0032%); highest among the groups gnomAD compares: Non-Finnish European, 0.0044%; no homozygotes.

Submission:

Labcorp Genetics (formerly Invitae), Labcorp
Classification: Uncertain significance. Last evaluated: 2022-10-13. Review status: criteria provided, single submitter. Criteria: Invitae Variant Classification Sherloc (09022015). Collection method: clinical testing. Allele origin: germline.
Comment: This sequence change replaces histidine, which is basic and polar, with glutamine, which is neutral and polar, at codon 1781 of the OTOF protein (p.His1781Gln). This variant is present in population databases (rs375826721, gnomAD 0.004%). This variant has not been reported in the literature in individuals affected with OTOF-related conditions. Advanced modeling of protein sequence and biophysical properties (such as structural, functional, and spatial information, amino acid conservation, physicochemical variation, residue mobility, and thermodynamic stability) performed at Invitae indicates that this missense variant is not expected to disrupt OTOF protein function. In summary, the available evidence is currently insufficient to determine the role of this variant in disease. Therefore, it has been classified as a Variant of Uncertain Significance.